The following is an entry in ClinVar:

ClinVar aggregate classification (germline): Benign. Review status: criteria provided, multiple submitters, no conflicts (2 of 4 stars). 3 submissions from 3 submitters: Benign (2). 1 of the submissions does not count toward it. Last evaluated 2018-06-29.

Allele frequency attached by ClinVar (database versions not stated): TOPMed 0.26208; gnomAD exomes 0.19598; ExAC 0.20343; gnomAD 0.25479 and 0.25330; 1000 Genomes Project 0.31310; ESP Exome Variant Server 0.25427; 1000 Genomes Project 30x 0.31683.
gnomAD v4.1: 261,264 of 1,567,068 alleles (17%); highest among the groups gnomAD compares: African/African-American, 49%; 27,962 homozygotes.

Submissions (3):

GeneDx
Classification: Benign. Last evaluated: 2018-06-29. Review status: criteria provided, single submitter. Criteria: GeneDx Variant Classification Process June 2021. Collection method: clinical testing. Allele origin: germline. Affected: yes.

Breakthrough Genomics
Classification: Benign. Review status: criteria provided, single submitter. Criteria: ACMG Guidelines, 2015. Collection method: not provided. Allele origin: germline. Inheritance: Autosomal recessive inheritance. Affected: yes.

Genetic Services Laboratory, University of Chicago
Classification: Likely benign. Review status: no assertion criteria provided. Collection method: clinical testing. Allele origin: germline. Inheritance: Autosomal recessive inheritance. Not counted in ClinVar's aggregate classification.
Comment: Likely benign based on allele frequency in 1000 Genomes Project or ESP global frequency and its presence in a patient with a rare or unrelated disease phenotype. NOT Sanger confirmed

NM_006031.6(PCNT):c.1207+34A>T

Gene: PCNT (pericentrin; plus strand). Cytogenetic location: 21q22.3.
Variant type: single nucleotide variant.
Coding change: c.1207+34A>T on transcript NM_006031.6 (MANE Select); 34 bases into the intron after coding-DNA position 1207, A replaced by T.
Molecular consequence: intron variant.
Genome position (GRCh38, 1-based): chr21:46,349,220, A>T. VCF-style: chr21-46349220-A-T. GRCh37 (hg19) VCF-style: chr21-47769134-A-T.
Other names: c.853+34A>T (NM_001315529.2).
Identifiers: ClinVar variation 159564 (VCV000159564.8), dbSNP rs35210219, ClinGen allele CA172971.